The following is an entry in ClinVar:

NM_014363.6(SACS):c.4505A>T (p.Asn1502Ile)

Gene: SACS (sacsin molecular chaperone; minus strand). Cytogenetic location: 13q12.12.
Variant type: single nucleotide variant.
Coding change: c.4505A>T on transcript NM_014363.6 (MANE Select); coding-DNA position 4505, A replaced by T.
Protein change: p.Asn1502Ile; replaces asparagine 1502 with isoleucine.
Molecular consequence: missense variant.
Genome position (GRCh38, 1-based): chr13:23,339,371, T>A on the plus strand (A>T on the coding strand, the complement: SACS is on the minus strand). VCF-style: chr13-23339371-T-A. GRCh37 (hg19) VCF-style: chr13-23913510-T-A.
Other names: c.4064A>T, p.Asn1355Ile (NM_001278055.2); short protein forms N1355I, N1502I.
Identifiers: ClinVar variation 1382586 (VCV001382586.6), dbSNP rs1246233364, ClinGen allele CA387528867.

ClinVar aggregate classification (germline): Uncertain significance (1 of 4 stars; one submission).

Conditions:
Spastic paraplegia. Identifiers: MedGen C0037772, HP:0001258.

gnomAD v4.1: 1 of 1,613,444 alleles (0.000062%); highest among the groups gnomAD compares: Admixed American, 0.0017%; no homozygotes.

Submission:

Labcorp Genetics (formerly Invitae), Labcorp
Classification: Uncertain significance for Spastic paraplegia. Last evaluated: 2022-06-13. Review status: criteria provided, single submitter. Criteria: Invitae Variant Classification Sherloc (09022015). Collection method: clinical testing. Allele origin: germline.
Comment: In summary, the available evidence is currently insufficient to determine the role of this variant in disease. Therefore, it has been classified as a Variant of Uncertain Significance. This sequence change replaces asparagine, which is neutral and polar, with isoleucine, which is neutral and non-polar, at codon 1502 of the SACS protein (p.Asn1502Ile). This variant is present in population databases (no rsID available, gnomAD 0.003%). This variant has not been reported in the literature in individuals affected with SACS-related conditions. Algorithms developed to predict the effect of missense changes on protein structure and function are either unavailable or do not agree on the potential impact of this missense change (SIFT: "Deleterious"; PolyPhen-2: "Probably Damaging"; Align-GVGD: "Class C15").